The following is an entry in ClinVar:

ClinVar aggregate classification (germline): Likely benign (1 of 4 stars; one submission).

Submission:

CeGaT Center for Human Genetics Tuebingen
Classification: Likely benign. Last evaluated: 2026-06-01. Review status: criteria provided, single submitter. Criteria: CeGaT Center For Human Genetics Tuebingen Variant Classification Criteria Version 2. Collection method: clinical testing. Allele origin: germline. Affected: yes. Observed: 1 variant allele.
Comment: CDHR3: PM2:Supporting, BP4, BP7

NM_152750.5(CDHR3):c.2184G>T (p.Val728=)

Gene: CDHR3 (cadherin related family member 3; plus strand). Cytogenetic location: 7q22.3.
Variant type: single nucleotide variant.
Coding change: c.2184G>T on transcript NM_152750.5 (MANE Select); coding-DNA position 2184, G replaced by T.
Protein change: p.Val728=; no amino-acid change (valine 728 retained).
Molecular consequence: synonymous variant.
Genome position (GRCh38, 1-based): chr7:106,024,488, G>T. VCF-style: chr7-106024488-G-T. GRCh37 (hg19) VCF-style: chr7-105664934-G-T.
Other names: c.1920G>T, p.Val640= (NM_001301161.2).
Identifiers: ClinVar variation 4875427 (VCV004875427.2).